The following is an entry in ClinVar:

NM_001130144.3(LTBP3):c.3408C>A (p.Asp1136Glu)

Gene: LTBP3 (latent transforming growth factor beta binding protein 3; minus strand). Cytogenetic location: 11q13.1.
Variant type: single nucleotide variant.
Coding change: c.3408C>A on transcript NM_001130144.3 (MANE Select); coding-DNA position 3408, C replaced by A.
Protein change: p.Asp1136Glu; replaces aspartic acid 1136 with glutamic acid.
Molecular consequence: missense variant.
Genome position (GRCh38, 1-based): chr11:65,539,859, G>T on the plus strand (C>A on the coding strand, the complement: LTBP3 is on the minus strand). VCF-style: chr11-65539859-G-T. GRCh37 (hg19) VCF-style: chr11-65307330-G-T.
Other names: c.3408C>A (NM_001130144.2); c.2916C>A, p.Asp972Glu (NM_001164266.1); c.3267C>A, p.Asp1089Glu (NM_021070.4); short protein forms D1089E, D1136E, D972E.
Identifiers: ClinVar variation 3617247 (VCV003617247.3).

ClinVar aggregate classification (germline): Uncertain significance. Review status: criteria provided, multiple submitters, no conflicts (2 of 4 stars). 2 submissions from 2 submitters: Uncertain significance (2). Last evaluated 2025-05-14.

Conditions:
Inborn genetic diseases. Identifiers: MedGen C0950123, MeSH D030342.
Brachyolmia-amelogenesis imperfecta syndrome. Also called: PLATYSPONDYLY WITH AMELOGENESIS IMPERFECTA; Tooth agenesis, selective, 6; Dental anomalies and short stature. Identifiers: Orphanet 2899, MedGen C1832594, MONDO:0011018, OMIM 601216. Disease mechanism: loss of function.

gnomAD v4.1: 3 of 1,517,848 alleles (0.0002%); highest among the groups gnomAD compares: Middle Eastern, 0.018%; no homozygotes.

Submissions (2):

Ambry Genetics
Classification: Uncertain significance for Inborn genetic diseases. Last evaluated: 2025-05-14. Review status: criteria provided, single submitter. Criteria: Ambry Variant Classification Scheme 2023. Collection method: clinical testing. Allele origin: germline.
Comment: The p.D1136E variant (also known as c.3408C>A), located in coding exon 25 of the LTBP3 gene, results from a C to A substitution at nucleotide position 3408. The aspartic acid at codon 1136 is replaced by glutamic acid, an amino acid with highly similar properties. This amino acid position is conserved. In addition, this alteration is predicted to be tolerated by in silico analysis. Based on the available evidence, the clinical significance of this variant remains unclear.

Labcorp Genetics (formerly Invitae), Labcorp
Classification: Uncertain significance for Brachyolmia-amelogenesis imperfecta syndrome. Last evaluated: 2025-03-18. Review status: criteria provided, single submitter. Criteria: Invitae Variant Classification Sherloc (09022015). Collection method: clinical testing. Allele origin: germline.
Comment: This sequence change replaces aspartic acid, which is acidic and polar, with glutamic acid, which is acidic and polar, at codon 1136 of the LTBP3 protein (p.Asp1136Glu). This variant is present in population databases (no rsID available, gnomAD 0.007%). This variant has not been reported in the literature in individuals affected with LTBP3-related conditions. An algorithm developed to predict the effect of missense changes on protein structure and function outputs the following: PolyPhen-2: "Benign". The glutamic acid amino acid residue is found in multiple mammalian species, which suggests that this missense change does not adversely affect protein function. In summary, the available evidence is currently insufficient to determine the role of this variant in disease. Therefore, it has been classified as a Variant of Uncertain Significance.